The following is an entry in ClinVar:

NM_025207.5(FLAD1):c.313C>T (p.Leu105Phe)

Gene: FLAD1 (flavin adenine dinucleotide synthetase 1; plus strand). Cytogenetic location: 1q21.3.
Variant type: single nucleotide variant.
Coding change: c.313C>T on transcript NM_025207.5 (MANE Select); coding-DNA position 313, C replaced by T.
Protein change: p.Leu105Phe; replaces leucine 105 with phenylalanine.
Molecular consequence: missense variant. On other transcripts: 5 prime UTR variant (1).
Genome position (GRCh38, 1-based): chr1:154,984,007, C>T. VCF-style: chr1-154984007-C-T. GRCh37 (hg19) VCF-style: chr1-154956483-C-T.
Other names: c.22C>T, p.Leu8Phe (NM_001184891.2, NM_201398.3); c.-624C>T (NM_001184892.2); short protein forms L105F, L8F.
Identifiers: ClinVar variation 2414915 (VCV002414915.3), dbSNP rs768383309, ClinGen allele CA1134273.
Genomic context (GRCh38, chr1:154,984,007, plus strand): 5'-TACTGGAGGGCCTTGCAGAGGGGCAGAGAAGGCAGGACCATGACATCTAGGGCCTCTGAA[C>T]TTTCTCCGGGGCGCAGCGTGACGGCTGGCATCATCATTGTTGGAGATGAGATCCTTAAGG-3'
Protein context (NP_079483.3, residues 95-115): GRTMTSRASE[Leu105Phe]SPGRSVTAGI

ClinVar aggregate classification (germline): Uncertain significance (1 of 4 stars; one submission).

Allele frequency attached by ClinVar (database versions not stated): gnomAD 0.00001.
gnomAD v4.1: 11 of 1,517,898 alleles (0.00072%); highest among the groups gnomAD compares: Middle Eastern, 0.089%; no homozygotes.

Submission:

Labcorp Genetics (formerly Invitae), Labcorp
Classification: Uncertain significance. Last evaluated: 2022-03-01. Review status: criteria provided, single submitter. Criteria: Invitae Variant Classification Sherloc (09022015). Collection method: clinical testing. Allele origin: germline.
Comment: This sequence change replaces leucine, which is neutral and non-polar, with phenylalanine, which is neutral and non-polar, at codon 105 of the FLAD1 protein (p.Leu105Phe). This variant is present in population databases (rs768383309, gnomAD 0.002%). This variant has not been reported in the literature in individuals affected with FLAD1-related conditions. Algorithms developed to predict the effect of missense changes on protein structure and function (SIFT, PolyPhen-2, Align-GVGD) all suggest that this variant is likely to be tolerated. In summary, the available evidence is currently insufficient to determine the role of this variant in disease. Therefore, it has been classified as a Variant of Uncertain Significance.